The following is an entry in ClinVar:

NM_144687.4(NLRP12):c.2576G>A (p.Arg859Gln)

Gene: NLRP12 (NLR family pyrin domain containing 12; minus strand). Cytogenetic location: 19q13.42.
Variant type: single nucleotide variant.
Coding change: c.2576G>A on transcript NM_144687.4 (MANE Select); coding-DNA position 2576, G replaced by A.
Protein change: p.Arg859Gln; replaces arginine 859 with glutamine.
Molecular consequence: missense variant.
Genome position (GRCh38, 1-based): chr19:53,803,961, C>T on the plus strand (G>A on the coding strand, the complement: NLRP12 is on the minus strand). VCF-style: chr19-53803961-C-T. GRCh37 (hg19) VCF-style: chr19-54307215-C-T.
Other names: p.Arg859Gln; c.2579G>A, p.Arg860Gln (NM_001277126.2); c.2576G>A, p.Arg859Gln (NM_001277129.1); short protein forms R859Q, R860Q.
Identifiers: ClinVar variation 330016 (VCV000330016.30), dbSNP rs79884502, ClinGen allele CA9639037.

ClinVar aggregate classification (germline): Benign/Likely benign. Review status: criteria provided, multiple submitters, no conflicts (2 of 4 stars). 8 submissions from 8 submitters: Benign (7); Likely benign (1). Last evaluated 2026-03-31.

Conditions:
Autoinflammatory syndrome. Identifiers: Orphanet 93665, MedGen C3890737, MONDO:0019751.
Familial cold autoinflammatory syndrome 2 (FCAS2). Identifiers: Orphanet 247868, MedGen C2673198, MONDO:0012724, OMIM 611762.

Allele frequency attached by ClinVar (database versions not stated): gnomAD exomes 0.00096 and 0.00234; ExAC 0.00306; gnomAD 0.00864 and 0.00917; TOPMed 0.00958; ESP Exome Variant Server 0.01023; 1000 Genomes Project 0.01258; 1000 Genomes Project 30x 0.01312.
gnomAD v4.1: 2,770 of 1,614,016 alleles (0.17%); highest among the groups gnomAD compares: African/African-American, 2.9%; 22 homozygotes.

Submissions (8):

Women's Health and Genetics/Laboratory Corporation of America, LabCorp
Classification: Likely benign. Last evaluated: 2026-03-31. Review status: criteria provided, single submitter. Criteria: LabCorp Variant Classification Summary - May 2015. Collection method: clinical testing. Allele origin: germline.

Labcorp Genetics (formerly Invitae), Labcorp
Classification: Benign for Familial cold autoinflammatory syndrome 2. Last evaluated: 2026-02-04. Review status: criteria provided, single submitter. Criteria: Invitae Variant Classification Sherloc (09022015). Collection method: clinical testing. Allele origin: germline.

ARUP Laboratories, Molecular Genetics and Genomics, ARUP Laboratories
Classification: Benign for Familial cold autoinflammatory syndrome 2. Last evaluated: 2023-11-16. Review status: criteria provided, single submitter. Criteria: ARUP Molecular Germline Variant Investigation Process 2024. Collection method: clinical testing. Allele origin: germline.

Fulgent Genetics
Classification: Benign for Familial cold autoinflammatory syndrome 2. Last evaluated: 2021-08-09. Review status: criteria provided, single submitter. Criteria: ACMG Guidelines, 2015. Collection method: clinical testing. Allele origin: unknown.

Genome Diagnostics Laboratory, The Hospital for Sick Children
Classification: Benign for Autoinflammatory syndrome. Last evaluated: 2021-02-25. Review status: criteria provided, single submitter. Criteria: ACMG Guidelines, 2015. Collection method: clinical testing. Allele origin: germline. Affected: yes.

Mayo Clinic Laboratories, Mayo Clinic
Classification: Benign. Last evaluated: 2020-07-21. Review status: criteria provided, single submitter. Criteria: ACMG Guidelines, 2015. Collection method: clinical testing. Allele origin: germline. Observed: 7 variant alleles.

Illumina Laboratory Services, Illumina
Classification: Benign for Familial cold autoinflammatory syndrome 2. Last evaluated: 2018-01-12. Review status: criteria provided, single submitter. Criteria: ICSL Variant Classification Criteria 13 December 2019. Collection method: clinical testing. Allele origin: germline.
Comment: This variant was observed in the ICSL laboratory as part of a predisposition screen in an ostensibly healthy population. It had not been previously curated by ICSL or reported in the Human Gene Mutation Database (HGMD: prior to June 1st, 2018), and was therefore a candidate for classification through an automated scoring system. Utilizing variant allele frequency, disease prevalence and penetrance estimates, and inheritance mode, an automated score was calculated to assess if this variant is too frequent to cause the disease. Based on the score and internal cut-off values, a variant classified as benign is not then subjected to further curation. The score for this variant resulted in a classification of benign for this disease.

Breakthrough Genomics
Classification: Benign. Review status: criteria provided, single submitter. Criteria: ACMG Guidelines, 2015. Collection method: not provided. Allele origin: germline. Inheritance: Autosomal dominant inheritance. Affected: yes.